The following is an entry in ClinVar:

NM_001160372.4(TRAPPC9):c.1045del (p.Ile349fs)

Gene: TRAPPC9 (trafficking protein particle complex subunit 9; minus strand). Cytogenetic location: 8q24.3.
Variant type: Deletion.
Coding change: c.1045del on transcript NM_001160372.4 (MANE Select); coding-DNA position 1045, one base deleted (A; older notation c.1045delA).
Protein change: p.Ile349fs; shifts the reading frame from isoleucine 349.
Molecular consequence: frameshift variant. On other transcripts: non-coding transcript variant (1).
Genome position (GRCh38, 1-based): chr8:140,397,709, T deleted on the plus strand (A on the coding strand, the reverse complement: TRAPPC9 is on the minus strand). VCF-style (leftmost placement, unchanged base first): chr8-140397708-AT-A. GRCh37 (hg19) VCF-style: chr8-141407807-AT-A.
Other names: c.1018del, p.Ile340fs (NM_001321646.2); c.1066del, p.Ile356fs (NM_001374682.1); c.1045del, p.Ile349fs (NM_001374683.1, NM_001374684.1, NM_031466.8); short protein forms I340fs, I349fs, I356fs.
Identifiers: ClinVar variation 3029178 (VCV003029178.2), dbSNP rs2540231164, ClinGen allele CA2740095375.

ClinVar aggregate classification (germline): Likely pathogenic (0 of 4 stars; one submission).

Conditions:
TRAPPC9-related disorder. Also called: TRAPPC9-related condition.

Submission:

PreventionGenetics, part of Exact Sciences
Classification: Likely pathogenic for TRAPPC9-related condition. Last evaluated: 2023-12-08. Review status: no assertion criteria provided. Collection method: clinical testing. Allele origin: germline.
Comment: The TRAPPC9 c.1339delA variant is predicted to result in a frameshift and premature protein termination (p.Ile447Serfs*49). To our knowledge, this variant has not been reported in the literature or in a large population database, indicating this variant is rare. Frameshift variants in TRAPPC9 are expected to be pathogenic. This variant is interpreted as likely pathogenic.